The following is an entry in ClinVar:

NM_014363.6(SACS):c.4957G>T (p.Glu1653Ter)

Gene: SACS (sacsin molecular chaperone; minus strand). Cytogenetic location: 13q12.12.
Variant type: single nucleotide variant.
Coding change: c.4957G>T on transcript NM_014363.6 (MANE Select); coding-DNA position 4957, G replaced by T.
Protein change: p.Glu1653Ter; replaces glutamic acid 1653 with a stop codon.
Molecular consequence: nonsense.
Genome position (GRCh38, 1-based): chr13:23,338,919, C>A on the plus strand (G>T on the coding strand, the complement: SACS is on the minus strand). VCF-style: chr13-23338919-C-A. GRCh37 (hg19) VCF-style: chr13-23913058-C-A.
Other names: c.4516G>T, p.Glu1506Ter (NM_001278055.2); short protein forms E1506*, E1653*.
Identifiers: ClinVar variation 1705116 (VCV001705116.2), dbSNP rs2542273765, ClinGen allele CA387527023.
Genomic context (GRCh38, chr13:23,338,919, plus strand): 5'-CAAGAGAATAAATATCTGCTGTATTGTAGCACGTACTACTAACTTCACTCACTTTTGCTT[C>A]CTGTTGAGTTCTAAAGGACAGTCGGAAAAGGGTTCCATTATAGCTGTAAGGTGCTTCTAC-3'

ClinVar aggregate classification (germline): Likely pathogenic. Review status: criteria provided, multiple submitters, no conflicts (2 of 4 stars). 2 submissions from 2 submitters: Likely pathogenic (2). Last evaluated 2022-08-16.

Conditions:
Charlevoix-Saguenay spastic ataxia (SACS). Also called: SPASTIC ATAXIA 6, AUTOSOMAL RECESSIVE; AUTOSOMAL RECESSIVE SPASTIC ATAXIA OF CHARLEVOIX-SAGUENAY; Spastic ataxia of Charlevoix-Saguenay. Identifiers: Orphanet 98, MedGen C1849140, MONDO:0010041, OMIM 270550.

Submissions (2):

Women's Health and Genetics/Laboratory Corporation of America, LabCorp
Classification: Likely pathogenic for Charlevoix-Saguenay spastic ataxia. Last evaluated: 2022-08-16. Review status: criteria provided, single submitter. Criteria: LabCorp Variant Classification Summary - May 2015. Collection method: clinical testing. Allele origin: germline.
Comment: Variant summary: SACS c.4957G>T (p.Glu1653X) results in a premature termination codon, predicted to cause a truncation of the encoded protein or absence of the protein due to nonsense mediated decay, which are commonly known mechanisms for disease. Truncations downstream of this position have been classified as pathogenic by our laboratory. The variant was absent in 250216 control chromosomes (gnomAD). c.4957G>T has been reported in the literature in at least one homozygous individual affected with Autosomal Recessive Spastic Ataxia Of Charlevoix-Saguenay (e.g. Vermeer_2008). These data indicate that the variant may be associated with disease. To our knowledge, no experimental evidence demonstrating an impact on protein function has been reported. No clinical diagnostic laboratories have submitted clinical-significance assessments for this variant to ClinVar after 2014. Based on the evidence outlined above, the variant was classified as likely pathogenic.

PROSPAX: an integrated multimodal progression  chart in spastic ataxias, Center for Neurology; Hertie-Institute for Clinical Brain Research
Classification: Likely pathogenic for Charlevoix-Saguenay spastic ataxia. Last evaluated: 2022-01-01. Review status: criteria provided, single submitter. Criteria: ACMG Guidelines, 2015. Collection method: research. Allele origin: germline. Affected: yes.

Literature cited by the submitters: PubMed 19779133 (cited by Women's Health and Genetics/Laboratory Corporation of America, LabCorp); PubMed 18465152 (cited by Women's Health and Genetics/Laboratory Corporation of America, LabCorp).